The following is an entry in ClinVar:

ClinVar aggregate classification (germline): Likely pathogenic (1 of 4 stars; one submission).

Conditions:
Retinitis pigmentosa 39 (RP39). Identifiers: Orphanet 791, MedGen C3151138, MONDO:0013436, OMIM 613809.

Submission:

3billion
Classification: Likely pathogenic for Retinitis pigmentosa 39. Last evaluated: 2022-01-03. Review status: criteria provided, single submitter. Criteria: ACMG Guidelines, 2015. Collection method: clinical testing. Allele origin: germline. Affected: yes. Observed: 1 homozygote.
Comment: Same nucleotide change resulting in same amino acid change has been previously reported to be associated with USH2A related disorder (PMID:27460420, PS1_P). The variant has been reported to be in trans with a pathogenic variant as either compound heterozygous or homozygous in at least one similarly affected unrelated individual (PMID: 27460420, PM3_M) A different missense change at the same codon has been reported to be associated with USH2A related disorder (ClinVar ID: VCV000522486, PM5_P). In silico tool predictions suggest damaging effect of the variant on gene or gene product (REVEL: 0.7, PP3_P). It is not observed in the gnomAD v2.1.1 dataset (PM2_M). . Therefore, this variant is classified as likely pathogenic according to the recommendation of ACMG/AMP guideline.

Literature cited by the submitters: PubMed 27460420.

NM_206933.4(USH2A):c.13018G>C (p.Gly4340Arg)

Gene: USH2A (usherin; minus strand). Cytogenetic location: 1q41.
Variant type: single nucleotide variant.
Coding change: c.13018G>C on transcript NM_206933.4 (MANE Select); coding-DNA position 13018, G replaced by C.
Protein change: p.Gly4340Arg; replaces glycine 4340 with arginine.
Molecular consequence: missense variant.
Genome position (GRCh38, 1-based): chr1:215,674,893, C>G on the plus strand (G>C on the coding strand, the complement: USH2A is on the minus strand). VCF-style: chr1-215674893-C-G. GRCh37 (hg19) VCF-style: chr1-215848235-C-G.
Other names: short protein forms G4340R.
Identifiers: ClinVar variation 1333462 (VCV001333462.1), dbSNP rs2102665930, ClinGen allele CA344847809.
Genomic context (GRCh38, chr1:215,674,893, plus strand): 5'-TGACTTCTGATGGAGCAGCCTCCAGAGTTGTGATGCTGGTGGGTTTGCTGGTGGAGCATC[C>G]TCCACTCGTGCAGGCTTGGAGTGCATAGCTATAGGTGGAAAAAGGAAGAAGCTCTTCATC-3'
Protein context (NP_996816.3, residues 4330-4350): SYALQACTSG[Gly4340Arg]CSTSKPTSIT